The following is an entry in ClinVar:

NM_144997.7(FLCN):c.854A>G (p.Gln285Arg)

Gene: FLCN (folliculin; minus strand). Cytogenetic location: 17p11.2.
Variant type: single nucleotide variant.
Coding change: c.854A>G on transcript NM_144997.7 (MANE Select); coding-DNA position 854, A replaced by G.
Protein change: p.Gln285Arg; replaces glutamine 285 with arginine.
Molecular consequence: missense variant.
Genome position (GRCh38, 1-based): chr17:17,221,554, T>C on the plus strand (A>G on the coding strand, the complement: FLCN is on the minus strand). VCF-style: chr17-17221554-T-C. GRCh37 (hg19) VCF-style: chr17-17124868-T-C.
Other names: c.908A>G, p.Gln303Arg (NM_001353229.2); c.854A>G, p.Gln285Arg (NM_001353230.2, NM_001353231.2, NM_144606.7); short protein forms Q285R, Q303R.
Identifiers: ClinVar variation 2451818 (VCV002451818.4), dbSNP rs2544219352, ClinGen allele CA398533651.

ClinVar aggregate classification (germline): Uncertain significance. Review status: criteria provided, multiple submitters, no conflicts (2 of 4 stars). 2 submissions from 2 submitters: Uncertain significance (2). Last evaluated 2024-08-01.

Conditions:
Hereditary cancer-predisposing syndrome. Also called: Hereditary neoplastic syndrome; Tumor predisposition; Neoplastic Syndromes, Hereditary; Hereditary Cancer Syndrome. Identifiers: Orphanet 140162, MedGen C0027672, MeSH D009386, MONDO:0015356.
Birt-Hogg-Dube syndrome. Also called: Birt Hogg Dubé syndrome. Identifiers: Orphanet 122, MedGen C0346010, MONDO:0800444.

Allele frequency attached by ClinVar (database versions not stated): gnomAD exomes below 0.00001.
gnomAD v4.1: 1 of 1,613,102 alleles (0.000062%); highest among the groups gnomAD compares: Non-Finnish European, 0.000085%; no homozygotes.

Submissions (2):

Labcorp Genetics (formerly Invitae), Labcorp
Classification: Uncertain significance for Birt-Hogg-Dube syndrome. Last evaluated: 2024-08-01. Review status: criteria provided, single submitter. Criteria: Invitae Variant Classification Sherloc (09022015). Collection method: clinical testing. Allele origin: germline.
Comment: This sequence change replaces glutamine, which is neutral and polar, with arginine, which is basic and polar, at codon 285 of the FLCN protein (p.Gln285Arg). This variant is not present in population databases (gnomAD no frequency). This variant has not been reported in the literature in individuals affected with FLCN-related conditions. ClinVar contains an entry for this variant (Variation ID: 2451818). Advanced modeling of protein sequence and biophysical properties (such as structural, functional, and spatial information, amino acid conservation, physicochemical variation, residue mobility, and thermodynamic stability) performed at Invitae indicates that this missense variant is not expected to disrupt FLCN protein function with a negative predictive value of 80%. In summary, the available evidence is currently insufficient to determine the role of this variant in disease. Therefore, it has been classified as a Variant of Uncertain Significance.

Ambry Genetics
Classification: Uncertain significance for Hereditary cancer-predisposing syndrome. Last evaluated: 2022-11-23. Review status: criteria provided, single submitter. Criteria: Ambry Variant Classification Scheme 2023. Collection method: clinical testing. Allele origin: germline.
Comment: The p.Q285R variant (also known as c.854A>G), located in coding exon 5 of the FLCN gene, results from an A to G substitution at nucleotide position 854. The glutamine at codon 285 is replaced by arginine, an amino acid with highly similar properties. This amino acid position is conserved. In addition, the in silico prediction for this alteration is inconclusive. Since supporting evidence is limited at this time, the clinical significance of this alteration remains unclear.